The following is an entry in ClinVar:

ClinVar aggregate classification (germline): Conflicting classifications of pathogenicity. Review status: criteria provided, conflicting classifications (1 of 4 stars). 7 submissions from 7 submitters: Likely pathogenic (1); Uncertain significance (4); Likely benign (2). Last evaluated 2026-03-05.

Conditions:
WFS1-related disorder. Identifiers: MedGen CN379391, MONDO:0700293.
Wolfram syndrome 1 (WFS1). Identifiers: Orphanet 3463, MedGen C4551693, MONDO:0009101, OMIM 222300.

Allele frequency attached by ClinVar (database versions not stated): gnomAD 0.00001 and 0.00013; TOPMed 0.00003; ExAC 0.00031; 1000 Genomes Project 30x 0.00078; 1000 Genomes Project 0.00100.
gnomAD v4.1: 269 of 1,612,570 alleles (0.017%); highest among the groups gnomAD compares: South Asian, 0.26%; no homozygotes.

Submissions (7):

PreventionGenetics, part of Exact Sciences
Classification: Uncertain significance for WFS1-related condition. Last evaluated: 2026-03-05. Review status: criteria provided, single submitter. Criteria: ACMG Guidelines, 2015. Collection method: clinical testing. Allele origin: germline.
Comment: The WFS1 c.2380G>A variant is predicted to result in the amino acid substitution p.Glu794Lys. To our knowledge, this variant has not been reported in the literature. This variant is reported in 0.21% of alleles in individuals of South Asian descent in gnomAD. At this time, the clinical significance of this variant is uncertain due to the absence of conclusive functional and genetic evidence.

Labcorp Genetics (formerly Invitae), Labcorp
Classification: Likely benign. Last evaluated: 2026-01-26. Review status: criteria provided, single submitter. Criteria: Invitae Variant Classification Sherloc (09022015). Collection method: clinical testing. Allele origin: germline.

Blueprint Genetics
Classification: Uncertain significance. Last evaluated: 2024-06-04. Review status: criteria provided, single submitter. Criteria: ACMG Guidelines, 2015. Collection method: clinical testing. Allele origin: germline.

Revvity Omics, Revvity
Classification: Uncertain significance. Last evaluated: 2022-02-04. Review status: criteria provided, single submitter. Criteria: ACMG Guidelines, 2015. Collection method: clinical testing. Allele origin: germline.

GeneDx
Classification: Likely benign. Last evaluated: 2020-12-17. Review status: criteria provided, single submitter. Criteria: GeneDx Variant Classification Process June 2021. Collection method: clinical testing. Allele origin: germline. Affected: yes.
Comment: This variant is associated with the following publications: (PMID: 32350710)

Eurofins Ntd Llc (ga)
Classification: Uncertain significance. Last evaluated: 2015-03-16. Review status: criteria provided, single submitter. Criteria: EGL Classification Definitions 2015. Collection method: clinical testing. Allele origin: germline. Observed: 1 variant allele, 1 heterozygote.

Clinical Genomics, Uppaluri K&H Personalized Medicine Clinic
Classification: Likely pathogenic for Wolfram syndrome 1. Review status: criteria provided, single submitter. Criteria: K & H Uppaluri Personalized Medicine Clinic Variant Classification & Assertion Criteria_Updated V.1. Collection method: research. Allele origin: unknown. Inheritance: Autosomal recessive inheritance.
Comment: Potent mutations in WFS1 gene are associated with Wolfram's syndrome, an autosomal recessive condition, which cause diabetes mellitus, diabetes insipidus, deafness and optic atrophy. However no sufficient evidence is found to ascertain the role of this particular variant rs201078003 in Wolfram's syndrome yet.

Literature cited by the submitters: PubMed 20738327 (cited by Clinical Genomics, Uppaluri K&H Personalized Medicine Clinic); PubMed 33879153 (cited by Clinical Genomics, Uppaluri K&H Personalized Medicine Clinic); PubMed 12955714 (cited by Clinical Genomics, Uppaluri K&H Personalized Medicine Clinic); PubMed 18060660 (cited by Clinical Genomics, Uppaluri K&H Personalized Medicine Clinic); PubMed 20301750 (cited by Clinical Genomics, Uppaluri K&H Personalized Medicine Clinic); PubMed 17603484 (cited by Clinical Genomics, Uppaluri K&H Personalized Medicine Clinic).

NM_006005.3(WFS1):c.2380G>A (p.Glu794Lys)

Gene: WFS1 (wolframin ER transmembrane glycoprotein; plus strand). Cytogenetic location: 4p16.1.
Variant type: single nucleotide variant.
Coding change: c.2380G>A on transcript NM_006005.3 (MANE Select); coding-DNA position 2380, G replaced by A.
Protein change: p.Glu794Lys; replaces glutamic acid 794 with lysine.
Molecular consequence: missense variant.
Genome position (GRCh38, 1-based): chr4:6,302,175, G>A. VCF-style: chr4-6302175-G-A. GRCh37 (hg19) VCF-style: chr4-6303902-G-A.
Other names: c.2380G>A, p.Glu794Lys (NM_001145853.1); short protein forms E794K.
Identifiers: ClinVar variation 198836 (VCV000198836.23), dbSNP rs201078003, ClinGen allele CA247675.